The following is an entry in ClinVar:

ClinVar aggregate classification (germline): Uncertain significance (1 of 4 stars; one submission).

Allele frequency attached by ClinVar (database versions not stated): gnomAD exomes below 0.00001.

Submission:

Labcorp Genetics (formerly Invitae), Labcorp
Classification: Uncertain significance. Last evaluated: 2022-03-02. Review status: criteria provided, single submitter. Criteria: Invitae Variant Classification Sherloc (09022015). Collection method: clinical testing. Allele origin: germline.
Comment: In summary, the available evidence is currently insufficient to determine the role of this variant in disease. Therefore, it has been classified as a Variant of Uncertain Significance. Algorithms developed to predict the effect of missense changes on protein structure and function (SIFT, PolyPhen-2, Align-GVGD) all suggest that this variant is likely to be tolerated. This variant has not been reported in the literature in individuals affected with KMT2E-related conditions. This variant is not present in population databases (gnomAD no frequency). This sequence change replaces alanine, which is neutral and non-polar, with threonine, which is neutral and polar, at codon 1738 of the KMT2E protein (p.Ala1738Thr).

NM_182931.3(KMT2E):c.5212G>A (p.Ala1738Thr)

Gene: KMT2E (lysine methyltransferase 2E (inactive); plus strand). Cytogenetic location: 7q22.3.
Variant type: single nucleotide variant.
Coding change: c.5212G>A on transcript NM_182931.3 (MANE Select); coding-DNA position 5212, G replaced by A.
Protein change: p.Ala1738Thr; replaces alanine 1738 with threonine.
Molecular consequence: missense variant.
Genome position (GRCh38, 1-based): chr7:105,112,968, G>A. VCF-style: chr7-105112968-G-A. GRCh37 (hg19) VCF-style: chr7-104753415-G-A.
Other names: c.5086G>A, p.Ala1696Thr (NM_001410908.1); c.5212G>A, p.Ala1738Thr (NM_018682.4); short protein forms A1738T, A1696T.
Identifiers: ClinVar variation 1972390 (VCV001972390.5), dbSNP rs2536528320, ClinGen allele CA368794608.